The following is an entry in ClinVar:

ClinVar aggregate classification (germline): Uncertain significance. Review status: criteria provided, multiple submitters, no conflicts (2 of 4 stars). 9 submissions from 6 submitters: Uncertain significance (9). Last evaluated 2024-11-03.

Conditions:
Congenital myopathy 18. Also called: DIHYDROPYRIDINE RECEPTOR CONGENITAL MYOPATHY; DHPR CONGENITAL MYOPATHY; Myopathy, congenital, due to dihydropyridine receptor defect. Identifiers: MedGen C5830283, MONDO:0859514, OMIM 620246.
Thyrotoxic periodic paralysis, susceptibility to, 1 (TTPP1). Identifiers: Orphanet 79102, MedGen C2749982, MONDO:0008570, OMIM 188580.
Hypokalemic periodic paralysis, type 1. Also called: HypoPP; Hypokalemic Periodic Paralysis Type 1 (AD). Identifiers: Orphanet 681, MedGen C3714580, MONDO:0042979, OMIM 170400.
Malignant hyperthermia, susceptibility to, 5 (MHS5). Also called: CACNA1S-Related Malignant Hyperthermia Susceptibility. Identifiers: Orphanet 423, MedGen C1866077, MONDO:0011163, OMIM 601887.

Allele frequency attached by ClinVar (database versions not stated): ExAC 0.00001; gnomAD 0.00001 and 0.00002; gnomAD exomes 0.00001 and 0.00002.
gnomAD v4.1: 37 of 1,609,750 alleles (0.0023%); highest among the groups gnomAD compares: Non-Finnish European, 0.003%; no homozygotes.

Submissions (9):

Labcorp Genetics (formerly Invitae), Labcorp
Classification: Uncertain significance for Hypokalemic periodic paralysis, type 1; Malignant hyperthermia, susceptibility to, 5. Last evaluated: 2024-11-03. Review status: criteria provided, single submitter. Criteria: Invitae Variant Classification Sherloc (09022015). Collection method: clinical testing. Allele origin: germline.
Comment: This sequence change replaces leucine, which is neutral and non-polar, with phenylalanine, which is neutral and non-polar, at codon 653 of the CACNA1S protein (p.Leu653Phe). The frequency data for this variant in the population databases is considered unreliable, as metrics indicate poor data quality at this position in the gnomAD database. This variant has not been reported in the literature in individuals affected with CACNA1S-related conditions. ClinVar contains an entry for this variant (Variation ID: 1371895). Invitae Evidence Modeling of protein sequence and biophysical properties (such as structural, functional, and spatial information, amino acid conservation, physicochemical variation, residue mobility, and thermodynamic stability) has been performed for this missense variant. However, the output from this modeling did not meet the statistical confidence thresholds required to predict the impact of this variant on CACNA1S protein function. In summary, the available evidence is currently insufficient to determine the role of this variant in disease. Therefore, it has been classified as a Variant of Uncertain Significance.

All of Us Research Program, National Institutes of Health
Classification: Uncertain significance for Malignant hyperthermia, susceptibility to, 5. Last evaluated: 2024-08-13. Review status: criteria provided, single submitter. Criteria: ACMG Guidelines, 2015. Collection method: clinical testing. Allele origin: germline. Inheritance: Autosomal dominant inheritance. Observed: 7 variant alleles, 7 heterozygotes.
Comment: This missense variant replaces leucine with phenylalanine at codon 653 of the CACNA1S protein. Computational prediction suggests that this variant may have deleterious impact on protein structure and function (internally defined REVEL score threshold >= 0.7, PMID: 27666373). To our knowledge, functional studies have not been reported for this variant. This variant has not been reported in individuals affected with CACNA1S-related disorders in the literature. This variant has been identified in 2/249942 chromosomes in the general population by the Genome Aggregation Database (gnomAD). The available evidence is insufficient to determine the role of this variant in disease conclusively. Therefore, this variant is classified as a Variant of Uncertain Significance.

This study involves interpretation of variants in research participants for the purpose of population health screening. Participant phenotype was not available at the time of variant classification. Additional details can be found in publication PMID: 35346344, PMCID: PMC8962531

Color Diagnostics, LLC DBA Color Health
Classification: Uncertain significance for Malignant hyperthermia, susceptibility to, 5. Last evaluated: 2024-05-07. Review status: criteria provided, single submitter. Criteria: ACMG Guidelines, 2015. Collection method: clinical testing. Allele origin: germline.
Comment: This missense variant replaces leucine with phenylalanine at codon 653 of the CACNA1S protein. Computational prediction suggests that this variant may have deleterious impact on protein structure and function. To our knowledge, functional studies have not been reported for this variant. This variant has not been reported in individuals affected with CACNA1S-related disorders in the literature. This variant has been identified in 2/249942 chromosomes in the general population by the Genome Aggregation Database (gnomAD). The available evidence is insufficient to determine the role of this variant in disease conclusively. Therefore, this variant is classified as a Variant of Uncertain Significance.

Revvity Omics, Revvity
Classification: Uncertain significance. Last evaluated: 2024-02-01. Review status: criteria provided, single submitter. Criteria: ACMG Guidelines, 2015. Collection method: clinical testing. Allele origin: germline.

Genome-Nilou Lab
Classification: Uncertain significance for Malignant hyperthermia, susceptibility to, 5. Last evaluated: 2023-04-11. Review status: criteria provided, single submitter. Criteria: ACMG Guidelines, 2015. Collection method: clinical testing. Allele origin: germline. Affected: no.

Genome-Nilou Lab
Classification: Uncertain significance for Thyrotoxic periodic paralysis, susceptibility to, 1. Last evaluated: 2023-04-11. Review status: criteria provided, single submitter. Criteria: ACMG Guidelines, 2015. Collection method: clinical testing. Allele origin: germline. Affected: no.

Genome-Nilou Lab
Classification: Uncertain significance for Congenital myopathy 18. Last evaluated: 2023-04-11. Review status: criteria provided, single submitter. Criteria: ACMG Guidelines, 2015. Collection method: clinical testing. Allele origin: germline. Affected: no.

Genome-Nilou Lab
Classification: Uncertain significance for Hypokalemic periodic paralysis, type 1. Last evaluated: 2023-04-11. Review status: criteria provided, single submitter. Criteria: ACMG Guidelines, 2015. Collection method: clinical testing. Allele origin: germline. Affected: no.

Fulgent Genetics
Classification: Uncertain significance for Hypokalemic periodic paralysis, type 1; Thyrotoxic periodic paralysis, susceptibility to, 1; Malignant hyperthermia, susceptibility to, 5. Last evaluated: 2022-01-03. Review status: criteria provided, single submitter. Criteria: ACMG Guidelines, 2015. Collection method: clinical testing. Allele origin: unknown.

NM_000069.3(CACNA1S):c.1957C>T (p.Leu653Phe)

Gene: CACNA1S (calcium voltage-gated channel subunit alpha1 S; minus strand). Cytogenetic location: 1q32.1.
Variant type: single nucleotide variant.
Coding change: c.1957C>T on transcript NM_000069.3 (MANE Select); coding-DNA position 1957, C replaced by T.
Protein change: p.Leu653Phe; replaces leucine 653 with phenylalanine.
Molecular consequence: missense variant.
Genome position (GRCh38, 1-based): chr1:201,074,612, G>A on the plus strand (C>T on the coding strand, the complement: CACNA1S is on the minus strand). VCF-style: chr1-201074612-G-A. GRCh37 (hg19) VCF-style: chr1-201043740-G-A.
Other names: short protein forms L653F.
Identifiers: ClinVar variation 1371895 (VCV001371895.11), dbSNP rs757750396, ClinGen allele CA078732.